The following is an entry in ClinVar:

ClinVar aggregate classification (germline): Pathogenic (1 of 4 stars; one submission).

Conditions:
Charcot-Marie-Tooth disease type 2E (CMT2E). Also called: CHARCOT-MARIE-TOOTH DISEASE, AXONAL, TYPE 2E; CHARCOT-MARIE-TOOTH NEUROPATHY, TYPE 2E. Identifiers: Orphanet 99939, MedGen C1843225, MONDO:0011894, OMIM 607684.

gnomAD v4.1: 2 of 1,606,426 alleles (0.00012%); highest among the groups gnomAD compares: Non-Finnish European, 0.00017%; no homozygotes.

Submission:

Labcorp Genetics (formerly Invitae), Labcorp
Classification: Pathogenic for Charcot-Marie-Tooth disease type 2E. Last evaluated: 2024-08-06. Review status: criteria provided, single submitter. Criteria: Invitae Variant Classification Sherloc (09022015). Collection method: clinical testing. Allele origin: germline.
Comment: This sequence change creates a premature translational stop signal (p.Tyr139*) in the NEFL gene. It is expected to result in an absent or disrupted protein product. Loss-of-function variants in NEFL are known to be pathogenic (PMID: 19158810, 20039262). This variant is not present in population databases (gnomAD no frequency). This variant has not been reported in the literature in individuals affected with NEFL-related conditions. For these reasons, this variant has been classified as Pathogenic.

Literature cited by the submitters: PubMed 19158810; PubMed 20039262.

NM_006158.5(NEFL):c.417C>A (p.Tyr139Ter)

Gene: NEFL (neurofilament light chain; minus strand). Cytogenetic location: 8p21.2.
Variant type: single nucleotide variant.
Coding change: c.417C>A on transcript NM_006158.5 (MANE Select); coding-DNA position 417, C replaced by A.
Protein change: p.Tyr139Ter; replaces tyrosine 139 with a stop codon.
Molecular consequence: nonsense.
Genome position (GRCh38, 1-based): chr8:24,956,099, G>T on the plus strand (C>A on the coding strand, the complement: NEFL is on the minus strand). VCF-style: chr8-24956099-G-T. GRCh37 (hg19) VCF-style: chr8-24813613-G-T.
Other names: short protein forms Y139*.
Identifiers: ClinVar variation 3708693 (VCV003708693.2).